The following is an entry in ClinVar:

NM_000179.3(MSH6):c.1143G>A (p.Glu381=)

Gene: MSH6 (mutS homolog 6; plus strand). Cytogenetic location: 2p16.3.
Variant type: single nucleotide variant.
Coding change: c.1143G>A on transcript NM_000179.3 (MANE Select); coding-DNA position 1143, G replaced by A.
Protein change: p.Glu381=; no amino-acid change (glutamic acid 381 retained).
Molecular consequence: synonymous variant.
Genome position (GRCh38, 1-based): chr2:47,799,126, G>A. VCF-style: chr2-47799126-G-A. GRCh37 (hg19) VCF-style: chr2-48026265-G-A.
Other names: c.753G>A, p.Glu251= (NM_001281492.2); c.237G>A, p.Glu79= (NM_001281493.2, NM_001281494.2).
Identifiers: ClinVar variation 479943 (VCV000479943.18), dbSNP rs1553412538, ClinGen allele CA426121065.
Genomic context (GRCh38, chr2:47,799,126, plus strand): 5'-CCCTACTGTTTGGTATCATGAAACTTTAGAATGGCTTAAGGAGGAAAAGAGAAGAGATGA[G>A]CACAGGAGGAGGCCTGATCACCCCGATTTTGATGCATCTACACTCTATGTGCCTGAGGAT-3'
Protein context (NP_000170.1, residues 371-391): EWLKEEKRRD[Glu381=]HRRRPDHPDF

ClinVar aggregate classification (germline): Benign/Likely benign. Review status: criteria provided, multiple submitters, no conflicts (2 of 4 stars). 5 submissions from 5 submitters: Benign (1); Likely benign (4). Last evaluated 2024-12-23.

Conditions:
Hereditary cancer-predisposing syndrome. Also called: Hereditary Cancer Syndrome; Neoplastic Syndromes, Hereditary; Tumor predisposition; Hereditary neoplastic syndrome. Identifiers: Orphanet 140162, MedGen C0027672, MeSH D009386, MONDO:0015356.
Lynch syndrome 5 (LYNCH5). Also called: Colorectal cancer, hereditary nonpolyposis, type 5; Hereditary non-polyposis colorectal cancer, type 5. Identifiers: Orphanet 144, MedGen C1833477, MONDO:0013710, OMIM 614350. Disease mechanism: loss of function.
Hereditary nonpolyposis colorectal neoplasms. Identifiers: MedGen C0009405, MeSH D003123.

Allele frequency attached by ClinVar (database versions not stated): gnomAD exomes below 0.00001.
gnomAD v4.1: 1 of 1,614,134 alleles (0.000062%); highest among the groups gnomAD compares: Non-Finnish European, 0.000085%; no homozygotes.

Submissions (5):

Myriad Genetics, Inc.
Classification: Benign for Lynch syndrome 5. Last evaluated: 2024-12-23. Review status: criteria provided, single submitter. Criteria: Myriad Autosomal Dominant, Autosomal Recessive and X-Linked Classification Criteria (2023). Collection method: clinical testing. Allele origin: unknown.
Comment: This variant is considered benign. This variant is a silent/synonymous amino acid change and it is not expected to impact splicing.

Labcorp Genetics (formerly Invitae), Labcorp
Classification: Likely benign for Hereditary nonpolyposis colorectal neoplasms. Last evaluated: 2024-12-12. Review status: criteria provided, single submitter. Criteria: Invitae Variant Classification Sherloc (09022015). Collection method: clinical testing. Allele origin: germline.

Women's Health and Genetics/Laboratory Corporation of America, LabCorp
Classification: Likely benign. Last evaluated: 2022-11-24. Review status: criteria provided, single submitter. Criteria: LabCorp Variant Classification Summary - May 2015. Collection method: clinical testing. Allele origin: germline.

Color Diagnostics, LLC DBA Color Health
Classification: Likely benign for Hereditary cancer-predisposing syndrome. Last evaluated: 2018-02-16. Review status: criteria provided, single submitter. Criteria: ACMG Guidelines, 2015. Collection method: clinical testing. Allele origin: germline.

Ambry Genetics
Classification: Likely benign for Hereditary cancer-predisposing syndrome. Last evaluated: 2016-12-07. Review status: criteria provided, single submitter. Criteria: Ambry Variant Classification Scheme 2023. Collection method: clinical testing. Allele origin: germline.